The following is an entry in ClinVar:

NM_001927.4(DES):c.825G>A (p.Arg275=)

Gene: DES (desmin; plus strand). Cytogenetic location: 2q35.
Variant type: single nucleotide variant.
Coding change: c.825G>A on transcript NM_001927.4 (MANE Select); coding-DNA position 825, G replaced by A.
Protein change: p.Arg275=; no amino-acid change (arginine 275 retained).
Molecular consequence: synonymous variant. On other transcripts: intron variant (1).
Genome position (GRCh38, 1-based): chr2:219,420,584, G>A. VCF-style: chr2-219420584-G-A. GRCh37 (hg19) VCF-style: chr2-220285306-G-A.
Other names: c.822G>A, p.Arg274= (NM_001382708.1); c.825G>A, p.Arg275= (NM_001382710.1, NM_001382711.1, NM_001382712.1); c.555G>A, p.Arg185= (NM_001382713.1); c.735+238G>A (NM_001382709.1).
Identifiers: ClinVar variation 1941663 (VCV001941663.5), dbSNP rs369144706, ClinGen allele CA2125161.

ClinVar aggregate classification (germline): Uncertain significance (1 of 4 stars; one submission).

Conditions:
Desmin-related myofibrillar myopathy (MFM1). Also called: Desminopathy; Desmin related myopathy (former name); Desmin storage myopathy (former name); MYOFIBRILLAR MYOPATHY WITH ARRHYTHMOGENIC RIGHT VENTRICULAR CARDIOMYOPATHY; DESMIN-RELATED MYOPATHY WITH ARRHYTHMOGENIC RIGHT VENTRICULAR CARDIOMYOPATHY; Myofibrillar myopathy 1. Identifiers: Orphanet 363543, Orphanet 98909, MedGen C1832370, MONDO:0011076, OMIM 601419.

Allele frequency attached by ClinVar (database versions not stated): ExAC 0.00001; ESP Exome Variant Server 0.00008.

Submission:

Labcorp Genetics (formerly Invitae), Labcorp
Classification: Uncertain significance for Desmin-related myofibrillar myopathy. Last evaluated: 2022-06-09. Review status: criteria provided, single submitter. Criteria: Invitae Variant Classification Sherloc (09022015). Collection method: clinical testing. Allele origin: germline.
Comment: In summary, the available evidence is currently insufficient to determine the role of this variant in disease. Therefore, it has been classified as a Variant of Uncertain Significance. Algorithms developed to predict the effect of sequence changes on RNA splicing suggest that this variant may disrupt the consensus splice site. This variant has not been reported in the literature in individuals affected with DES-related conditions. This variant is present in population databases (rs369144706, gnomAD 0.007%). This sequence change affects codon 275 of the DES mRNA. It is a 'silent' change, meaning that it does not change the encoded amino acid sequence of the DES protein.